The following is an entry in ClinVar:

NM_000501.4(ELN):c.1779del (p.Lys594fs)

Genes: ELN (elastin; plus strand), ELN-AS1 (ELN antisense RNA 1; minus strand). Cytogenetic location: 7q11.23.
Variant type: Deletion.
Coding change: c.1779del on transcript NM_000501.4 (MANE Select); coding-DNA position 1779, one base deleted (C; older notation c.1779delC).
Protein change: p.Lys594fs; shifts the reading frame from lysine 594.
Molecular consequence: frameshift variant.
Genome position (GRCh38, 1-based): chr7:74,061,132, C deleted; the last of 2 consecutive C bases (chr7:74,061,131-74,061,132); deleting either gives the same sequence. VCF-style (leftmost placement, unchanged base first): chr7-74061130-GC-G. GRCh37 (hg19) VCF-style: chr7-73475460-GC-G.
Other names: c.1692del, p.Lys565fs (NM_001081752.3); c.1737del, p.Lys580fs (NM_001081753.3); c.1794del, p.Lys599fs (NM_001081754.3); c.1722del, p.Lys575fs (NM_001081755.3); c.1779del, p.Lys594fs (NM_001278912.2); c.1536del, p.Lys513fs (NM_001278913.2); c.1707del, p.Lys570fs (NM_001278914.2); c.1797del, p.Lys600fs (NM_001278915.2); and 4 more; short protein forms K505fs, K513fs, K546fs, K565fs, K570fs, K575fs, K580fs, K584fs.
Identifiers: ClinVar variation 3775199 (VCV003775199.1).

ClinVar aggregate classification (germline): Likely pathogenic (1 of 4 stars; one submission).

Conditions:
Cutis laxa, autosomal dominant 1 (ADCL1). Also called: ELN-Related Cutis Laxa. Identifiers: Orphanet 90348, MedGen C3276539, MONDO:0007411, OMIM 123700. Disease mechanism: Dominant Negative.

Submission:

3billion
Classification: Likely pathogenic for Cutis laxa, autosomal dominant 1. Last evaluated: 2023-06-20. Review status: criteria provided, single submitter. Criteria: ACMG Guidelines, 2015. Collection method: clinical testing. Allele origin: germline. Affected: yes.
Comment: The variant is not observed in the gnomAD v2.1.1 dataset. Predicted Consequence/Location: Frameshift: predicted to result in a loss or disruption of normal protein function through nonsense-mediated decay (NMD) or protein truncation. Multiple pathogenic variants are reported downstream of the variant. Therefore, this variant is classified as Likely pathogenic according to the recommendation of ACMG/AMP guideline.